The following is an entry in ClinVar:

ClinVar aggregate classification (germline): Likely pathogenic (1 of 4 stars; one submission).

Conditions:
Primary ciliary dyskinesia. Also called: Ciliary dyskinesia. Identifiers: Orphanet 244, MedGen C0008780, MONDO:0016575, HP:0012265.

Submission:

Labcorp Genetics (formerly Invitae), Labcorp
Classification: Likely pathogenic for Primary ciliary dyskinesia. Last evaluated: 2024-02-24. Review status: criteria provided, single submitter. Criteria: Invitae Variant Classification Sherloc (09022015). Collection method: clinical testing. Allele origin: germline.
Comment: This sequence change affects a donor splice site in intron 29 of the DNAH5 gene. It is expected to disrupt RNA splicing. Variants that disrupt the donor or acceptor splice site typically lead to a loss of protein function (PMID: 16199547), and loss-of-function variants in DNAH5 are known to be pathogenic (PMID: 11788826, 16627867). This variant is not present in population databases (gnomAD no frequency). Disruption of this splice site has been observed in individual(s) with DNAH5-related conditions (Invitae). ClinVar contains an entry for this variant (Variation ID: 454777). Algorithms developed to predict the effect of sequence changes on RNA splicing suggest that this variant may disrupt the consensus splice site. In summary, the currently available evidence indicates that the variant is pathogenic, but additional data are needed to prove that conclusively. Therefore, this variant has been classified as Likely Pathogenic.

Literature cited by the submitters: PubMed 16199547; PubMed 11788826; PubMed 16627867.

NM_001369.3(DNAH5):c.4796+1G>A

Genes: DNAH5 (dynein axonemal heavy chain 5; minus strand), DNAH5-AS1 (DNAH5 antisense RNA 1; plus strand). Cytogenetic location: 5p15.2.
Variant type: single nucleotide variant.
Coding change: c.4796+1G>A on transcript NM_001369.3 (MANE Select); the canonical splice donor site of the intron after coding-DNA position 4796, G replaced by A.
Molecular consequence: splice donor variant.
Genome position (GRCh38, 1-based): chr5:13,862,547, C>T on the plus strand (G>A on the coding strand, the complement: DNAH5 is on the minus strand). VCF-style: chr5-13862547-C-T. GRCh37 (hg19) VCF-style: chr5-13862656-C-T.
Identifiers: ClinVar variation 454777 (VCV000454777.8), dbSNP rs989235687, ClinGen allele CA113973020.